The following is an entry in ClinVar:

NM_005219.5(DIAPH1):c.3464G>A (p.Arg1155Gln)

Gene: DIAPH1 (diaphanous related formin 1; minus strand). Cytogenetic location: 5q31.3.
Variant type: single nucleotide variant.
Coding change: c.3464G>A on transcript NM_005219.5 (MANE Select); coding-DNA position 3464, G replaced by A.
Protein change: p.Arg1155Gln; replaces arginine 1155 with glutamine.
Molecular consequence: missense variant.
Genome position (GRCh38, 1-based): chr5:141,526,148, C>T on the plus strand (G>A on the coding strand, the complement: DIAPH1 is on the minus strand). VCF-style: chr5-141526148-C-T. GRCh37 (hg19) VCF-style: chr5-140905715-C-T.
Other names: c.3437G>A, p.Arg1146Gln (NM_001079812.3); c.3464G>A, p.Arg1155Gln (NM_001314007.2); short protein forms R1146Q, R1155Q.
Identifiers: ClinVar variation 1806701 (VCV001806701.7), dbSNP rs779775889, ClinGen allele CA3478778.

ClinVar aggregate classification (germline): Uncertain significance. Review status: criteria provided, multiple submitters, no conflicts (2 of 4 stars). 2 submissions from 2 submitters: Uncertain significance (2). Last evaluated 2026-01-27.

Conditions:
Autosomal dominant nonsyndromic hearing loss 1. Also called: KONIGSMARK SYNDROME; DEAFNESS, AUTOSOMAL DOMINANT 1, WITH OR WITHOUT THROMBOCYTOPENIA. Identifiers: Orphanet 90635, MedGen C1852282, MONDO:0007424, OMIM 124900.
Progressive microcephaly-seizures-cortical blindness-developmental delay syndrome. Also called: Seizures, cortical blindness, and microcephaly syndrome. Identifiers: Orphanet 477814, MedGen C5567650, MONDO:0014714, OMIM 616632.

Allele frequency attached by ClinVar (database versions not stated): ExAC 0.00004.
gnomAD v4.1: 64 of 1,613,972 alleles (0.004%); highest among the groups gnomAD compares: Non-Finnish European, 0.005%; no homozygotes.

Submissions (2):

GeneDx
Classification: Uncertain significance. Last evaluated: 2026-01-27. Review status: criteria provided, single submitter. Criteria: GeneDx Variant Classification Process June 2021. Collection method: clinical testing. Allele origin: germline. Affected: yes.
Comment: Reported in a patient with Moyamoya disease in published literature (PMID: 34125151); of note, this variant was inherited from the patient's father for whom clinical information was not available; In silico analysis suggests that this missense variant does not alter protein structure/function; This variant is associated with the following publications: (PMID: 34125151)

Labcorp Genetics (formerly Invitae), Labcorp
Classification: Uncertain significance for Progressive microcephaly-seizures-cortical blindness-developmental delay syndrome; Autosomal dominant nonsyndromic hearing loss 1. Last evaluated: 2025-06-12. Review status: criteria provided, single submitter. Criteria: Invitae Variant Classification Sherloc (09022015). Collection method: clinical testing. Allele origin: germline.
Comment: This sequence change replaces arginine, which is basic and polar, with glutamine, which is neutral and polar, at codon 1155 of the DIAPH1 protein (p.Arg1155Gln). This variant is present in population databases (rs779775889, gnomAD 0.006%). This missense change has been observed in individual(s) with moyamoya disease (PMID: 34125151). ClinVar contains an entry for this variant (Variation ID: 1806701). An algorithm developed to predict the effect of missense changes on protein structure and function (PolyPhen-2) suggests that this variant is likely to be disruptive. In summary, the available evidence is currently insufficient to determine the role of this variant in disease. Therefore, it has been classified as a Variant of Uncertain Significance.

Literature cited by the submitters: PubMed 34125151 (cited by Labcorp Genetics (formerly Invitae), Labcorp).